The following is an entry in ClinVar:

NM_130810.4(DNAAF4):c.1094G>A (p.Arg365Lys)

Genes: DNAAF4 (dynein axonemal assembly factor 4; minus strand), DNAAF4-CCPG1 (DNAAF4-CCPG1 readthrough (NMD candidate); minus strand). Cytogenetic location: 15q21.3.
Variant type: single nucleotide variant.
Coding change: c.1094G>A on transcript NM_130810.4 (MANE Select); coding-DNA position 1094, G replaced by A.
Protein change: p.Arg365Lys; replaces arginine 365 with lysine.
Molecular consequence: missense variant. On other transcripts: non-coding transcript variant (1), intron variant (2).
Genome position (GRCh38, 1-based): chr15:55,432,556, C>T on the plus strand (G>A on the coding strand, the complement: DNAAF4 is on the minus strand). VCF-style: chr15-55432556-C-T. GRCh37 (hg19) VCF-style: chr15-55724754-C-T.
Other names: c.1047+2349G>A (NM_001033560.2); c.1048-1777G>A (NM_001033559.3); short protein forms R365K.
Identifiers: ClinVar variation 1474343 (VCV001474343.4), dbSNP rs776036942, ClinGen allele CA7574825.

ClinVar aggregate classification (germline): Uncertain significance (1 of 4 stars; one submission).

Allele frequency attached by ClinVar (database versions not stated): gnomAD exomes below 0.00001; ExAC 0.00001; TOPMed 0.00002.

Submission:

Labcorp Genetics (formerly Invitae), Labcorp
Classification: Uncertain significance. Last evaluated: 2021-09-10. Review status: criteria provided, single submitter. Criteria: Invitae Variant Classification Sherloc (09022015). Collection method: clinical testing. Allele origin: germline.
Comment: This variant is present in population databases (rs776036942, ExAC 0.01%). This sequence change replaces arginine with lysine at codon 365 of the DNAAF4 protein (p.Arg365Lys). The arginine residue is highly conserved and there is a small physicochemical difference between arginine and lysine. This variant has not been reported in the literature in individuals affected with DNAAF4-related conditions. Algorithms developed to predict the effect of missense changes on protein structure and function are either unavailable or do not agree on the potential impact of this missense change (SIFT: "Deleterious"; PolyPhen-2: "Benign"; Align-GVGD: "Class C25"). In summary, the available evidence is currently insufficient to determine the role of this variant in disease. Therefore, it has been classified as a Variant of Uncertain Significance.